The following is an entry in ClinVar:

ClinVar aggregate classification (germline): Conflicting classifications of pathogenicity. Review status: criteria provided, conflicting classifications (1 of 4 stars). 11 submissions from 11 submitters: Uncertain significance (2); Benign (1); Likely benign (4). 4 of the submissions do not count toward it. Last evaluated 2026-03-01.

Conditions:
USH2A-related disorder. Also called: USH2A-related condition; USH2A-related disorders. Identifiers: MedGen CN239332.
Usher syndrome type 2A. Also called: USHER SYNDROME, TYPE IIA; RETINAL DISEASE IN USHER SYNDROME TYPE IIA, MODIFIER OF. Identifiers: Orphanet 231178, Orphanet 886, MedGen C1848634, MONDO:0010169, OMIM 276901.

Allele frequency attached by ClinVar (database versions not stated): gnomAD exomes 0.00014 and 0.00028; ExAC 0.00031; 1000 Genomes Project 0.00080; gnomAD 0.00098 and 0.00107; TOPMed 0.00102; 1000 Genomes Project 30x 0.00109; ESP Exome Variant Server 0.00131.
gnomAD v4.1: 372 of 1,613,832 alleles (0.023%); highest among the groups gnomAD compares: African/African-American, 0.33%; no homozygotes.

Submissions (11):

CeGaT Center for Human Genetics Tuebingen
Classification: Likely benign. Last evaluated: 2026-03-01. Review status: criteria provided, single submitter. Criteria: CeGaT Center For Human Genetics Tuebingen Variant Classification Criteria Version 2. Collection method: clinical testing. Allele origin: germline. Affected: yes. Observed: 1 variant allele.
Comment: USH2A: BP4

Labcorp Genetics (formerly Invitae), Labcorp
Classification: Likely benign. Last evaluated: 2026-01-26. Review status: criteria provided, single submitter. Criteria: Invitae Variant Classification Sherloc (09022015). Collection method: clinical testing. Allele origin: germline.

Blueprint Genetics
Classification: Likely benign. Last evaluated: 2024-06-10. Review status: criteria provided, single submitter. Criteria: ACMG Guidelines, 2015. Collection method: clinical testing. Allele origin: germline.

Women's Health and Genetics/Laboratory Corporation of America, LabCorp
Classification: Uncertain significance. Last evaluated: 2022-04-06. Review status: criteria provided, single submitter. Criteria: LabCorp Variant Classification Summary - May 2015. Collection method: clinical testing. Allele origin: germline.
Comment: Variant summary: USH2A c.5624A>G (p.Asn1875Ser) results in a conservative amino acid change located in the Fibronectin type III domain of the encoded protein sequence. Five of five in-silico tools predict a benign effect of the variant on protein function. The variant allele was found at a frequency of 0.00028 in 250676 control chromosomes. This frequency is not significantly higher than expected for a pathogenic variant in USH2A causing Usher Syndrome (0.00028 vs 0.011), allowing no conclusion about variant significance. c.5624A>G has been reported in the literature in an individual affected with retinitis pigmentosa (Wang_2014). This report does not provide unequivocal conclusions about association of the variant with Usher Syndrome. To our knowledge, no experimental evidence demonstrating an impact on protein function has been reported. Four clinical diagnostic laboratories have submitted clinical-significance assessments for this variant to ClinVar after 2014 without evidence for independent evaluation. Two submitters have classified as likely benign/benign while two classified as VUS. Based on the evidence outlined above, the variant was classified as uncertain significance.

GeneDx
Classification: Uncertain significance. Last evaluated: 2021-04-19. Review status: criteria provided, single submitter. Criteria: GeneDx Variant Classification Process June 2021. Collection method: clinical testing. Allele origin: germline. Affected: yes.
Comment: Reported in a patient with retinitis pigmentosa in published literature (Wang et al., 2014); In silico analysis supports that this missense variant does not alter protein structure/function; This variant is associated with the following publications: (PMID: 25097241)

Mendelics
Classification: Benign for Usher syndrome type 2A. Last evaluated: 2019-05-28. Review status: criteria provided, single submitter. Criteria: Mendelics Assertion Criteria 2017. Collection method: clinical testing. Allele origin: unknown.

Laboratory for Molecular Medicine, Mass General Brigham Personalized Medicine
Classification: Likely benign. Last evaluated: 2012-04-30. Review status: criteria provided, single submitter. Criteria: LMM Criteria. Collection method: clinical testing. Allele origin: germline. Observed: 1 variant allele.
Comment: Asn1875Ser in Exon 28 of USH2A: This variant is not expected to have clinical si gnificance because it has been identified in 0.3% (12/3738) of African American chromosomes from a broad population by the NHLBI Exome Sequencing Project (dbSNP rs141609561).

PreventionGenetics, part of Exact Sciences
Classification: Likely benign for USH2A-related condition. Last evaluated: 2023-07-18. Review status: no assertion criteria provided. Collection method: clinical testing. Allele origin: germline. Not counted in ClinVar's aggregate classification.
Comment: This variant is classified as likely benign based on ACMG/AMP sequence variant interpretation guidelines (Richards et al. 2015 PMID: 25741868, with internal and published modifications).

Natera, Inc.
Classification: Uncertain significance for Usher syndrome type 2A. Last evaluated: 2020-01-24. Review status: no assertion criteria provided. Collection method: clinical testing. Allele origin: germline. Not counted in ClinVar's aggregate classification.

Clinical Genetics DNA and cytogenetics Diagnostics Lab, Erasmus MC, Erasmus Medical Center
Classification: Uncertain significance. Review status: no assertion criteria provided. Collection method: clinical testing. Allele origin: germline. Affected: yes. Study: VKGL Data-share Consensus. Not counted in ClinVar's aggregate classification.

Joint Genome Diagnostic Labs from Nijmegen and Maastricht, Radboudumc and MUMC+
Classification: Uncertain significance. Review status: no assertion criteria provided. Collection method: clinical testing. Allele origin: germline. Affected: yes. Study: VKGL Data-share Consensus. Not counted in ClinVar's aggregate classification.

Literature cited by the submitters: PubMed 25097241 (cited by Women's Health and Genetics/Laboratory Corporation of America, LabCorp).

NM_206933.4(USH2A):c.5624A>G (p.Asn1875Ser)

Genes: USH2A (usherin; minus strand), USH2A-AS2 (USH2A antisense RNA 2; plus strand). Cytogenetic location: 1q41.
Variant type: single nucleotide variant.
Coding change: c.5624A>G on transcript NM_206933.4 (MANE Select); coding-DNA position 5624, A replaced by G.
Protein change: p.Asn1875Ser; replaces asparagine 1875 with serine.
Molecular consequence: missense variant.
Genome position (GRCh38, 1-based): chr1:216,073,249, T>C on the plus strand (A>G on the coding strand, the complement: USH2A is on the minus strand). VCF-style: chr1-216073249-T-C. GRCh37 (hg19) VCF-style: chr1-216246591-T-C.
Other names: short protein forms N1875S.
Identifiers: ClinVar variation 178579 (VCV000178579.31), dbSNP rs141609561, ClinGen allele CA182598.